The following is an entry in ClinVar:

ClinVar aggregate classification (germline): Likely benign (1 of 4 stars; one submission).

Allele frequency attached by ClinVar (database versions not stated): gnomAD exomes below 0.00001.
gnomAD v4.1: 3 of 1,613,718 alleles (0.00019%); highest among the groups gnomAD compares: Admixed American, 0.0033%; no homozygotes.

Submission:

CeGaT Center for Human Genetics Tuebingen
Classification: Likely benign. Last evaluated: 2022-12-01. Review status: criteria provided, single submitter. Criteria: CeGaT Center For Human Genetics Tuebingen Variant Classification Criteria Version 2. Collection method: clinical testing. Allele origin: germline. Affected: yes. Observed: 1 variant allele.
Comment: MME: BP4, BP7

NM_007289.4(MME):c.984T>C (p.Asn328=)

Gene: MME (membrane metalloendopeptidase; plus strand). Cytogenetic location: 3q25.2.
Variant type: single nucleotide variant.
Coding change: c.984T>C on transcript NM_007289.4 (MANE Select); coding-DNA position 984, T replaced by C.
Protein change: p.Asn328=; no amino-acid change (asparagine 328 retained).
Molecular consequence: synonymous variant.
Genome position (GRCh38, 1-based): chr3:155,142,017, T>C. VCF-style: chr3-155142017-T-C. GRCh37 (hg19) VCF-style: chr3-154859806-T-C.
Other names: c.984T>C, p.Asn328= (NM_000902.5, NM_001354642.2, NM_001354643.1 and 2 more transcripts).
Identifiers: ClinVar variation 2654246 (VCV002654246.24), dbSNP rs201415927, ClinGen allele CA85828067.